The following is an entry in ClinVar:

ClinVar aggregate classification (germline): Uncertain significance. Review status: criteria provided, multiple submitters, no conflicts (2 of 4 stars). 2 submissions from 2 submitters: Uncertain significance (2). Last evaluated 2025-08-26.

Conditions:
Bardet-Biedl syndrome (BBS). Identifiers: Orphanet 110, MedGen C0752166, MONDO:0015229.
Retinal disorder. Also called: Retinopathy; Retinopathies; Retinal Diseases; Retinal disorders. Identifiers: MedGen C0035309, MONDO:0005283, HP:0000488.

Allele frequency attached by ClinVar (database versions not stated): gnomAD exomes below 0.00001; ExAC 0.00001.
gnomAD v4.1: 6 of 1,602,368 alleles (0.00037%); highest among the groups gnomAD compares: South Asian, 0.0011%; no homozygotes.

Submissions (2):

Genetics Laboratory, Great Ormond Street Hospital NHS Foundation Trust, North Thames Genomic Laboratory Hub
Classification: Uncertain significance for Retinal disorders. Last evaluated: 2025-08-26. Review status: criteria provided, single submitter. Criteria: ACGS Best Practice Guidelines for Variant Classification in Rare Disease 2024 v1.2. Collection method: clinical testing. Allele origin: germline. Affected: yes.
Comment: PM2_moderate, PP3_supporting, PM3_supporting, PP4_supporting

Labcorp Genetics (formerly Invitae), Labcorp
Classification: Uncertain significance for Bardet-Biedl syndrome. Last evaluated: 2019-07-12. Review status: criteria provided, single submitter. Criteria: Invitae Variant Classification Sherloc (09022015). Collection method: clinical testing. Allele origin: germline.
Comment: This sequence change falls in intron 3 of the BBS5 gene. It does not directly change the encoded amino acid sequence of the BBS5 protein, but it affects a nucleotide within the consensus splice site of the intron. This variant is present in population databases (rs745646726, ExAC 0.002%). This variant has not been reported in the literature in individuals with BBS5-related conditions. Nucleotide substitutions within the consensus splice site are a relatively common cause of aberrant splicing (PMID: 17576681, 9536098). Algorithms developed to predict the effect of sequence changes on RNA splicing suggest that this variant may disrupt the consensus splice site, but this prediction has not been confirmed by published transcriptional studies. In summary, the available evidence is currently insufficient to determine the role of this variant in disease. Therefore, it has been classified as a Variant of Uncertain Significance.

NM_152384.3(BBS5):c.208+5G>T

Gene: BBS5 (Bardet-Biedl syndrome 5; plus strand). Cytogenetic location: 2q31.1.
Variant type: single nucleotide variant.
Coding change: c.208+5G>T on transcript NM_152384.3 (MANE Select); 5 bases into the intron after coding-DNA position 208, G replaced by T.
Molecular consequence: intron variant.
Genome position (GRCh38, 1-based): chr2:169,487,139, G>T. VCF-style: chr2-169487139-G-T. GRCh37 (hg19) VCF-style: chr2-170343649-G-T.
Identifiers: ClinVar variation 950037 (VCV000950037.2), dbSNP rs745646726, ClinGen allele CA1956143.